The following is an entry in ClinVar:

ClinVar aggregate classification (germline): Conflicting classifications of pathogenicity. Review status: criteria provided, conflicting classifications (1 of 4 stars). 5 submissions from 5 submitters: Likely pathogenic (3); Uncertain significance (1). 1 of the submissions does not count toward it. Last evaluated 2025-05-05.

Conditions:
Retinal dystrophy. Also called: Inherited retinal dystrophy. Identifiers: Orphanet 71862, MedGen C0854723, MeSH D058499, MONDO:0019118, HP:0000556.
BEST1-related dominant retinopathy. Identifiers: MedGen CN375913, MONDO:0700238.
Autosomal recessive bestrophinopathy. Also called: Autosomal Recessive Bestrophinopathy (ARB). Identifiers: Orphanet 139455, MedGen C3888198, MONDO:0012733, OMIM 611809.

Allele frequency attached by ClinVar (database versions not stated): gnomAD exomes 0.00001; TOPMed 0.00001; ExAC 0.00002; gnomAD 0.00003.
gnomAD v4.1: 10 of 1,613,798 alleles (0.00062%); highest among the groups gnomAD compares: South Asian, 0.0022%; no homozygotes.

Submissions (5):

Labcorp Genetics (formerly Invitae), Labcorp
Classification: Likely pathogenic. Last evaluated: 2025-05-05. Review status: criteria provided, single submitter. Criteria: Invitae Variant Classification Sherloc (09022015). Collection method: clinical testing. Allele origin: germline.
Comment: This sequence change replaces arginine, which is basic and polar, with cysteine, which is neutral and slightly polar, at codon 19 of the BEST1 protein (p.Arg19Cys). This variant is present in population databases (rs765385264, gnomAD 0.005%). This missense change has been observed in individual(s) with autosomal recessive Best vitelliform macular dystrophy (PMID: 28687848, 32278767). In at least one individual the data is consistent with being in trans (on the opposite chromosome) from a pathogenic variant. This variant has been reported in individual(s) with autosomal dominant retinitis pigmentosa (internal data); however, the role of the variant in this condition is currently unclear. ClinVar contains an entry for this variant (Variation ID: 497257). Invitae Evidence Modeling of protein sequence and biophysical properties (such as structural, functional, and spatial information, amino acid conservation, physicochemical variation, residue mobility, and thermodynamic stability) indicates that this missense variant is expected to disrupt BEST1 protein function with a positive predictive value of 95%. Experimental studies have shown that this missense change affects BEST1 function (PMID: 19372599). In summary, the currently available evidence indicates that the variant is pathogenic, but additional data are needed to prove that conclusively. Therefore, this variant has been classified as Likely Pathogenic.

3billion
Classification: Likely pathogenic for Autosomal recessive bestrophinopathy. Last evaluated: 2024-01-11. Review status: criteria provided, single submitter. Criteria: ACMG Guidelines, 2015. Collection method: clinical testing. Allele origin: germline. Affected: yes.
Comment: The variant is observed at an extremely low frequency in the gnomAD v2.1.1 dataset (total allele frequency: 0.001%). Predicted Consequence/Location: The variant is located in a mutational hot spot and/or well-established functional domain in which established pathogenic variants have been reported. Missense changes are a common disease-causing mechanism. In silico tool predictions suggest damaging effect of the variant on gene or gene product [REVEL: 0.63 (>=0.6, sensitivity 0.68 and specificity 0.92)]. Same nucleotide change resulting in same amino acid change has been previously reported to be associated with BEST1 related disorder (PMID: 28687848). The variant has been reported to be in trans with a pathogenic variant as either compound heterozygous or homozygous in at least one similarly affected unrelated individual (PMID: 28687848). Different missense changes at the same codon (p.Arg19His, p.Arg19Leu) have been reported to be associated with BEST1 related disorder (ClinVar ID: VCV001487156 /PMID: 21273940). Therefore, this variant is classified as Likely pathogenic according to the recommendation of ACMG/AMP guideline.

Department of Pathology and Laboratory Medicine, Sinai Health System
Classification: Uncertain significance for BEST1-related dominant retinopathy. Last evaluated: 2021-07-30. Review status: criteria provided, single submitter. Criteria: ACMG Guidelines, 2015. Collection method: research. Allele origin: germline.

Institute of Human Genetics, Univ. Regensburg, Univ. Regensburg
Classification: Likely pathogenic for Retinal dystrophy. Last evaluated: 2010-01-01. Review status: criteria provided, single submitter. Criteria: ACMG Guidelines, 2015. Collection method: clinical testing. Allele origin: germline. Affected: yes.

Eurofins Ntd Llc (ga)
Classification: Uncertain significance. Last evaluated: 2016-10-14. Review status: flagged submission. Criteria: EGL Classification Definitions 2015. Collection method: clinical testing. Allele origin: germline. Observed: 1 variant allele, 1 heterozygote. Not counted in ClinVar's aggregate classification.
ClinVar note: Reason: Outlier claim with insufficient supporting evidence

Literature cited by the submitters: PubMed 28687848 (cited by 3 submitters); PubMed 32278767 (cited by Labcorp Genetics (formerly Invitae), Labcorp); PubMed 19372599 (cited by Labcorp Genetics (formerly Invitae), Labcorp); PubMed 21273940 (cited by 3billion); PubMed 3597344 (cited by Institute of Human Genetics, Univ. Regensburg, Univ. Regensburg).

NM_004183.4(BEST1):c.55C>T (p.Arg19Cys)

Gene: BEST1 (bestrophin 1; plus strand). Cytogenetic location: 11q12.3.
Variant type: single nucleotide variant.
Coding change: c.55C>T on transcript NM_004183.4 (MANE Select); coding-DNA position 55, C replaced by T.
Protein change: p.Arg19Cys; replaces arginine 19 with cysteine.
Molecular consequence: missense variant. On other transcripts: non-coding transcript variant (1), intron variant (6).
Genome position (GRCh38, 1-based): chr11:61,951,861, C>T. VCF-style: chr11-61951861-C-T. GRCh37 (hg19) VCF-style: chr11-61719333-C-T.
Other names: c.55C>T, p.Arg19Cys (NM_001363592.2, NM_001440571.1, NM_001440572.1 and 1 more transcripts); c.-29+1434C>T (NM_001139443.3, NM_001300787.2, NM_001440574.1 and 3 more transcripts); short protein forms R19C.
Identifiers: ClinVar variation 497257 (VCV000497257.14), dbSNP rs765385264, ClinGen allele CA6040665.